The following is an entry in ClinVar:

ClinVar aggregate classification (germline): Likely pathogenic (1 of 4 stars; one submission).

Conditions:
Hypokalemic tubulopathy and deafness. Identifiers: MedGen C5543621, MONDO:0859167, OMIM 619406.

gnomAD v4.1: 1 of 1,614,122 alleles (0.000062%); highest among the groups gnomAD compares: Non-Finnish European, 0.000085%; no homozygotes.

Submission:

MVZ Medizinische Genetik Mainz
Classification: Likely pathogenic for Hypokalemic tubulopathy and deafness. Last evaluated: 2022-01-31. Review status: criteria provided, single submitter. Criteria: UK Practice Guidelines For Variant Classification V4 01 2020. Collection method: clinical testing. Allele origin: germline. Inheritance: Autosomal recessive inheritance. Affected: yes. Observed: 1 variant allele.
Comment: ACMG Criteria: PVS1_STR, PM2_SUP, PP4 (ACMG Version 3)

NM_170741.4(KCNJ16):c.397G>T (p.Gly133Ter)

Gene: KCNJ16 (potassium inwardly rectifying channel subfamily J member 16; plus strand). Cytogenetic location: 17q24.3.
Variant type: single nucleotide variant.
Coding change: c.397G>T on transcript NM_170741.4 (MANE Select); coding-DNA position 397, G replaced by T.
Protein change: p.Gly133Ter; replaces glycine 133 with a stop codon.
Molecular consequence: nonsense.
Genome position (GRCh38, 1-based): chr17:70,132,484, G>T. VCF-style: chr17-70132484-G-T. GRCh37 (hg19) VCF-style: chr17-68128625-G-T.
Other names: c.397G>T, p.Gly133Ter (NM_001270422.2, NM_001291622.3, NM_001291623.2 and 4 more transcripts); short protein forms G133*.
Identifiers: ClinVar variation 3068383 (VCV003068383.1), dbSNP rs2074092203, ClinGen allele CA400862516.